The following is an entry in ClinVar:

ClinVar aggregate classification (germline): Likely benign (1 of 4 stars; one submission).

Allele frequency attached by ClinVar (database versions not stated): gnomAD exomes 0.00017; ESP Exome Variant Server 0.00023; TOPMed 0.00036; gnomAD 0.00038; ExAC 0.00080; 1000 Genomes Project 30x 0.00156; 1000 Genomes Project 0.00180.
gnomAD v4.1: 356 of 1,613,958 alleles (0.022%); highest among the groups gnomAD compares: East Asian, 0.37%; 3 homozygotes.

Submission:

CeGaT Center for Human Genetics Tuebingen
Classification: Likely benign. Last evaluated: 2022-03-01. Review status: criteria provided, single submitter. Criteria: CeGaT Center For Human Genetics Tuebingen Variant Classification Criteria Version 2. Collection method: clinical testing. Allele origin: germline. Affected: yes. Observed: 1 variant allele.
Comment: ADCY4: BP4, BP7

NM_001198568.2(ADCY4):c.2275C>T (p.Leu759=)

Gene: ADCY4 (adenylate cyclase 4; minus strand). Cytogenetic location: 14q12.
Variant type: single nucleotide variant.
Coding change: c.2275C>T on transcript NM_001198568.2 (MANE Select); coding-DNA position 2275, C replaced by T.
Protein change: p.Leu759=; no amino-acid change (leucine 759 retained).
Molecular consequence: synonymous variant.
Genome position (GRCh38, 1-based): chr14:24,322,971, G>A on the plus strand (C>T on the coding strand, the complement: ADCY4 is on the minus strand). VCF-style: chr14-24322971-G-A. GRCh37 (hg19) VCF-style: chr14-24792177-G-A.
Other names: c.2275C>T, p.Leu759= (NM_001198592.2, NM_139247.4).
Identifiers: ClinVar variation 2644136 (VCV002644136.24), dbSNP rs150445631, ClinGen allele CA7134280.